The following is an entry in ClinVar:

NM_001144950.2(SSC5D):c.3768T>A (p.Ile1256=)

Gene: SSC5D (scavenger receptor cysteine rich family member with 5 domains; plus strand). Cytogenetic location: 19q13.42.
Variant type: single nucleotide variant.
Coding change: c.3768T>A on transcript NM_001144950.2 (MANE Select); coding-DNA position 3768, T replaced by A.
Protein change: p.Ile1256=; no amino-acid change (isoleucine 1256 retained).
Molecular consequence: synonymous variant.
Genome position (GRCh38, 1-based): chr19:55,518,044, T>A. VCF-style: chr19-55518044-T-A. GRCh37 (hg19) VCF-style: chr19-56029411-T-A.
Identifiers: ClinVar variation 3250819 (VCV003250819.18), dbSNP rs2514290815.

ClinVar aggregate classification (germline): Likely benign (1 of 4 stars; one submission).

Submission:

CeGaT Center for Human Genetics Tuebingen
Classification: Likely benign. Last evaluated: 2024-06-01. Review status: criteria provided, single submitter. Criteria: CeGaT Center For Human Genetics Tuebingen Variant Classification Criteria Version 2. Collection method: clinical testing. Allele origin: germline. Affected: yes. Observed: 1 variant allele.
Comment: SSC5D: PM2:Supporting, BP4, BP7